The following is an entry in ClinVar:

NM_183235.3(RAB27A):c.*2067C>G

Gene: RAB27A (RAB27A, member RAS oncogene family; minus strand). Cytogenetic location: 15q21.3.
Variant type: single nucleotide variant.
Coding change: c.*2067C>G on transcript NM_183235.3 (MANE Select); 2067 bases downstream of the stop codon, C replaced by G.
Molecular consequence: 3 prime UTR variant.
Genome position (GRCh38, 1-based): chr15:55,203,440, G>C on the plus strand (C>G on the coding strand, the complement: RAB27A is on the minus strand). VCF-style: chr15-55203440-G-C. GRCh37 (hg19) VCF-style: chr15-55495638-G-C.
Other names: c.*2067C>G (NM_004580.5, NM_183234.3, NM_183236.3).
Identifiers: ClinVar variation 316610 (VCV000316610.6), dbSNP rs7168226, ClinGen allele CA10647176.
Genomic context (GRCh38, chr15:55,203,440, plus strand): 5'-ATAAGGCACTGCTGTGTGATTATGACCCTGCTCTTTTTTTTTTTTTTTTTTTTTGAGACA[G>C]AGTCTCCTCTGTCGCCCAGGCTGGAGTGCAGTGGCGCAATCTCGGCTCACTGCAAGCTCC-3'

ClinVar aggregate classification (germline): Benign. Review status: criteria provided, multiple submitters, no conflicts (2 of 4 stars). 2 submissions from 2 submitters: Benign (2). Last evaluated 2018-01-12.

Conditions:
Griscelli syndrome type 2 (GS2). Also called: GRISCELLI SYNDROME WITH HEMOPHAGOCYTIC SYNDROME; PAID SYNDROME; PARTIAL ALBINISM AND IMMUNODEFICIENCY SYNDROME. Identifiers: Orphanet 381, Orphanet 79477, MedGen C1868679, MONDO:0011872, OMIM 607624.

Allele frequency attached by ClinVar (database versions not stated): 1000 Genomes Project 0.08107; 1000 Genomes Project 30x 0.08698; gnomAD 0.09875 and 0.10411; TOPMed 0.10449.

Submissions (2):

Illumina Laboratory Services, Illumina
Classification: Benign for Griscelli syndrome type 2. Last evaluated: 2018-01-12. Review status: criteria provided, single submitter. Criteria: ICSL Variant Classification Criteria 13 December 2019. Collection method: clinical testing. Allele origin: germline.
Comment: This variant was observed in the ICSL laboratory as part of a predisposition screen in an ostensibly healthy population. It had not been previously curated by ICSL or reported in the Human Gene Mutation Database (HGMD: prior to June 1st, 2018), and was therefore a candidate for classification through an automated scoring system. Utilizing variant allele frequency, disease prevalence and penetrance estimates, and inheritance mode, an automated score was calculated to assess if this variant is too frequent to cause the disease. Based on the score and internal cut-off values, a variant classified as benign is not then subjected to further curation. The score for this variant resulted in a classification of benign for this disease.

Breakthrough Genomics
Classification: Benign. Review status: criteria provided, single submitter. Criteria: ACMG Guidelines, 2015. Collection method: not provided. Allele origin: germline. Inheritance: Autosomal recessive inheritance. Affected: yes.